The following is an entry in ClinVar:

NM_004655.4(AXIN2):c.1539T>A (p.His513Gln)

Gene: AXIN2 (axin 2; minus strand). Cytogenetic location: 17q24.1.
Variant type: single nucleotide variant.
Coding change: c.1539T>A on transcript NM_004655.4 (MANE Select); coding-DNA position 1539, T replaced by A.
Protein change: p.His513Gln; replaces histidine 513 with glutamine.
Molecular consequence: missense variant.
Genome position (GRCh38, 1-based): chr17:65,537,497, A>T on the plus strand (T>A on the coding strand, the complement: AXIN2 is on the minus strand). VCF-style: chr17-65537497-A-T. GRCh37 (hg19) VCF-style: chr17-63533615-A-T.
Other names: c.1539T>A, p.His513Gln (NM_001363813.1); short protein forms H513Q.
Identifiers: ClinVar variation 1774781 (VCV001774781.2), dbSNP rs2144460041, ClinGen allele CA400677308.

ClinVar aggregate classification (germline): Uncertain significance (1 of 4 stars; one submission).

Conditions:
Hereditary cancer-predisposing syndrome. Also called: Hereditary Cancer Syndrome; Hereditary neoplastic syndrome; Neoplastic Syndromes, Hereditary; Tumor predisposition. Identifiers: Orphanet 140162, MedGen C0027672, MeSH D009386, MONDO:0015356.

Submission:

Ambry Genetics
Classification: Uncertain significance for Hereditary cancer-predisposing syndrome. Last evaluated: 2021-12-11. Review status: criteria provided, single submitter. Criteria: Ambry Variant Classification Scheme 2023. Collection method: clinical testing. Allele origin: germline.
Comment: The p.H513Q variant (also known as c.1539T>A), located in coding exon 5 of the AXIN2 gene, results from a T to A substitution at nucleotide position 1539. The histidine at codon 513 is replaced by glutamine, an amino acid with highly similar properties. This amino acid position is conserved. In addition, the in silico prediction for this alteration is inconclusive. Since supporting evidence is limited at this time, the clinical significance of this alteration remains unclear.